The following is an entry in ClinVar:

ClinVar aggregate classification (germline): Likely benign. Review status: criteria provided, multiple submitters, no conflicts (2 of 4 stars). 3 submissions from 3 submitters: Likely benign (3). Last evaluated 2023-11-23.

Conditions:
Cardiovascular phenotype. Identifiers: MedGen CN230736.
Long QT syndrome 1 (LQT1). Identifiers: Orphanet 101016, Orphanet 768, MedGen C4551647, MONDO:0100316, OMIM 192500, MONDO:0008646.

Allele frequency attached by ClinVar (database versions not stated): gnomAD 0.00001; gnomAD exomes 0.00001; ExAC 0.00003.
gnomAD v4.1: 21 of 1,614,028 alleles (0.0013%); highest among the groups gnomAD compares: South Asian, 0.022%; no homozygotes.

Submissions (3):

Ambry Genetics
Classification: Likely benign for Cardiovascular phenotype. Last evaluated: 2023-11-23. Review status: criteria provided, single submitter. Criteria: Ambry Variant Classification Scheme 2023. Collection method: clinical testing. Allele origin: germline.

Women's Health and Genetics/Laboratory Corporation of America, LabCorp
Classification: Likely benign. Last evaluated: 2023-11-07. Review status: criteria provided, single submitter. Criteria: LabCorp Variant Classification Summary - May 2015. Collection method: clinical testing. Allele origin: germline.
Comment: Variant summary: CALM3 c.165G>A alters a conserved nucleotide resulting in a synonymous change. Consensus agreement among computation tools predict no significant impact on normal splicing. However, these predictions have yet to be confirmed by functional studies. The variant allele was found at a frequency of 2e-05 in 251138 control chromosomes (gnomAD). The available data on variant occurrences in the general population are insufficient to allow any conclusion about variant significance. To our knowledge, no occurrence of c.165G>A in individuals affected with Long QT Syndrome and no experimental evidence demonstrating its impact on protein function have been reported. A co-occurrence with another pathogenic variant has been observed in our laboratory (FLNC c.1880_1887delATGTGCGG, p.Asp672ValfsX16; internal testing), providing supporting evidence for a benign role. One submitter has reported clinical-significance assessments for this variant to ClinVar after 2014 and has classified the variant as benign/likely benign. Based on the evidence outlined above, the variant was classified as likely benign.

Labcorp Genetics (formerly Invitae), Labcorp
Classification: Likely benign for Long QT syndrome 1. Last evaluated: 2022-09-15. Review status: criteria provided, single submitter. Criteria: Invitae Variant Classification Sherloc (09022015). Collection method: clinical testing. Allele origin: germline.

NM_005184.4(CALM3):c.165G>A (p.Glu55=)

Gene: CALM3 (calmodulin 3; plus strand). Cytogenetic location: 19q13.32.
Variant type: single nucleotide variant.
Coding change: c.165G>A on transcript NM_005184.4 (MANE Select); coding-DNA position 165, G replaced by A.
Protein change: p.Glu55=; no amino-acid change (glutamic acid 55 retained).
Molecular consequence: synonymous variant.
Genome position (GRCh38, 1-based): chr19:46,608,327, G>A. VCF-style: chr19-46608327-G-A. GRCh37 (hg19) VCF-style: chr19-47111584-G-A.
Other names: c.165G>A (NM_005184.2); c.57G>A, p.Glu19= (NM_001329921.1, NM_001329923.1, NM_001329924.2 and 2 more transcripts); c.165G>A, p.Glu55= (NM_001329922.1).
Identifiers: ClinVar variation 1986997 (VCV001986997.5), dbSNP rs764047686, ClinGen allele CA9529757.